The following is an entry in ClinVar:

NM_000038.6(APC):c.909G>A (p.Arg303=)

Gene: APC (APC regulator of Wnt signaling pathway; plus strand). Cytogenetic location: 5q22.2.
Variant type: single nucleotide variant.
Coding change: c.909G>A on transcript NM_000038.6 (MANE Select); coding-DNA position 909, G replaced by A.
Protein change: p.Arg303=; no amino-acid change (arginine 303 retained).
Molecular consequence: synonymous variant.
Genome position (GRCh38, 1-based): chr5:112,815,569, G>A. VCF-style: chr5-112815569-G-A. GRCh37 (hg19) VCF-style: chr5-112151266-G-A.
Other names: c.909G>A, p.Arg303= (NM_001127510.3, NM_001354895.2, NM_001354896.2 and 1 more transcripts); c.855G>A, p.Arg285= (NM_001127511.3); c.939G>A, p.Arg313= (NM_001354897.2, NM_001354902.2); c.834G>A, p.Arg278= (NM_001354898.2, NM_001354904.2); c.825G>A, p.Arg275= (NM_001354899.2); c.732G>A, p.Arg244= (NM_001354900.2, NM_001354901.2, NM_001354905.2); c.60G>A, p.Arg20= (NM_001354906.2).
Identifiers: ClinVar variation 823005 (VCV000823005.24), dbSNP rs1580512337, ClinGen allele CA445755718.

ClinVar aggregate classification (germline): Benign/Likely benign. Review status: criteria provided, multiple submitters, no conflicts (2 of 4 stars). 5 submissions from 5 submitters: Benign (1); Likely benign (4). Last evaluated 2024-08-01.

Conditions:
Hereditary cancer-predisposing syndrome. Also called: Tumor predisposition; Hereditary neoplastic syndrome; Neoplastic Syndromes, Hereditary; Hereditary Cancer Syndrome. Identifiers: Orphanet 140162, MedGen C0027672, MeSH D009386, MONDO:0015356.
Familial adenomatous polyposis 1 (FAP1). Also called: POLYPOSIS, ADENOMATOUS INTESTINAL; FAMILIAL ADENOMATOUS POLYPOSIS 1, ATTENUATED. Identifiers: MedGen C2713442, MONDO:0021056, OMIM 175100. Disease mechanism: loss of function.

Allele frequency attached by ClinVar (database versions not stated): gnomAD exomes below 0.00001.
gnomAD v4.1: 1 of 1,611,614 alleles (0.000062%); highest among the groups gnomAD compares: Non-Finnish European, 0.000085%; no homozygotes.

Submissions (5):

CeGaT Center for Human Genetics Tuebingen
Classification: Likely benign. Last evaluated: 2024-08-01. Review status: criteria provided, single submitter. Criteria: CeGaT Center For Human Genetics Tuebingen Variant Classification Criteria Version 2. Collection method: clinical testing. Allele origin: germline. Affected: yes. Observed: 1 variant allele.
Comment: APC: BP4, BP7

Labcorp Genetics (formerly Invitae), Labcorp
Classification: Likely benign for Familial adenomatous polyposis 1. Last evaluated: 2024-07-16. Review status: criteria provided, single submitter. Criteria: Invitae Variant Classification Sherloc (09022015). Collection method: clinical testing. Allele origin: germline.

Myriad Genetics, Inc.
Classification: Benign for Familial adenomatous polyposis 1. Last evaluated: 2024-02-27. Review status: criteria provided, single submitter. Criteria: Myriad Autosomal Dominant, Autosomal Recessive and X-Linked Classification Criteria (2023). Collection method: clinical testing. Allele origin: unknown.
Comment: This variant is considered benign. This variant is a silent/synonymous amino acid change and it is not expected to impact splicing.

Color Diagnostics, LLC DBA Color Health
Classification: Likely benign for Hereditary cancer-predisposing syndrome. Last evaluated: 2022-06-06. Review status: criteria provided, single submitter. Criteria: ACMG Guidelines, 2015. Collection method: clinical testing. Allele origin: germline.

Ambry Genetics
Classification: Likely benign for Hereditary cancer-predisposing syndrome. Last evaluated: 2019-02-21. Review status: criteria provided, single submitter. Criteria: Ambry Variant Classification Scheme 2023. Collection method: clinical testing. Allele origin: germline.